The following is an entry in ClinVar:

NM_024529.5(CDC73):c.1093C>T (p.Pro365Ser)

Gene: CDC73 (cell division cycle 73; plus strand). Cytogenetic location: 1q31.2.
Variant type: single nucleotide variant.
Coding change: c.1093C>T on transcript NM_024529.5 (MANE Select); coding-DNA position 1093, C replaced by T.
Protein change: p.Pro365Ser; replaces proline 365 with serine.
Molecular consequence: missense variant.
Genome position (GRCh38, 1-based): chr1:193,212,416, C>T. VCF-style: chr1-193212416-C-T. GRCh37 (hg19) VCF-style: chr1-193181546-C-T.
Other names: short protein forms P365S.
Identifiers: ClinVar variation 4868358 (VCV004868358.1).

ClinVar aggregate classification (germline): Uncertain significance (1 of 4 stars; one submission).

Conditions:
Hereditary cancer-predisposing syndrome. Also called: Neoplastic Syndromes, Hereditary; Tumor predisposition; Hereditary Cancer Syndrome; Hereditary neoplastic syndrome. Identifiers: Orphanet 140162, MedGen C0027672, MeSH D009386, MONDO:0015356.

Submission:

Ambry Genetics
Classification: Uncertain significance for Hereditary cancer-predisposing syndrome. Last evaluated: 2026-04-09. Review status: criteria provided, single submitter. Criteria: Ambry Variant Classification Scheme 2023. Collection method: clinical testing. Allele origin: germline.
Comment: The p.P365S variant (also known as c.1093C>T), located in coding exon 13 of the CDC73 gene, results from a C to T substitution at nucleotide position 1093. The proline at codon 365 is replaced by serine, an amino acid with similar properties. This amino acid position is conserved. In addition, this alteration is predicted to be deleterious by in silico analysis. Based on the available evidence, the clinical significance of this variant remains unclear.